The following is an entry in ClinVar:

ClinVar aggregate classification (germline): Conflicting classifications of pathogenicity. Review status: criteria provided, conflicting classifications (1 of 4 stars). 2 submissions from 2 submitters: Likely pathogenic (1); Uncertain significance (1). Last evaluated 2023-08-28.

Conditions:
Intellectual disability, autosomal dominant 9 (NESCAVS). Also called: NESCAV SYNDROME; KIF1A-Related Neurodevelopmental Disorder. Identifiers: Orphanet 662367, MedGen C5393830, MONDO:0013656, OMIM 614255.
Hereditary spastic paraplegia 30. Identifiers: Orphanet 101010, MedGen C5235139, MONDO:0012476.
Neuropathy, hereditary sensory, type 2C. Also called: Hereditary sensory and autonomic neuropathy type IIC; KIF1A-Related HSAN2 (HSAN2C). Identifiers: Orphanet 970, MedGen C3280168, MONDO:0013634, OMIM 614213.

Submissions (2):

New York Genome Center
Classification: Likely pathogenic for Intellectual disability, autosomal dominant 9. Last evaluated: 2023-08-28. Review status: criteria provided, single submitter. Criteria: NYGC Assertion Criteria 2020. Collection method: clinical testing. Allele origin: inherited. Affected: yes. Observed: 1 heterozygote.
Comment: The c.278_307del variant identified in KIF1A has not previously been reported in the literature or public variant repositories (ClinVar and LOVD), and is absent from population databases (gnomAD v2.1.1 and v3.1.2, TOPMed Freeze 8, All of Us), suggesting it is not a common benign variant in the populations represented in those databases. The c.278_307del variant is located in exon 4 of this 49-exon gene and predicted to result in loss of evolutionarily conserved ten amino acids between positions 93 to 102 (p.(Ile93_Gly102del)) and disrupt the ATP-binding cassette (aa97-104) of the kinesin motor domain (aa 3-362) in the encoded protein [PMID: 26125038]. Three missense variants (p.(Thr99Met), p.(Gly102Asp), p.(Gly102Ser)) within the predicted deleted region have been reported in heterozygous state in individuals with KIF1A-related disorders with p.(Thr99Met) variant being a hot-spot variant reported in at least 10 individuals [PMID: 21376300, 25253658, 25265257, 26125038, 26410750, 32652677, 33880452]. Functional studies demonstrated the importance of the p.Thr99 and p.Gly102 residues in binding and movement functions of the motor domain [PMID: 26125038, 25265257]; however, missense variation and loss of these residues might show different effects. Based on available evidence this c.278_307del p.(Ile93_Gly102del) variant identified in KIF1A is classified as Likely Pathogenic.

Labcorp Genetics (formerly Invitae), Labcorp
Classification: Uncertain significance for Hereditary spastic paraplegia 30; Neuropathy, hereditary sensory, type 2C; Intellectual disability, autosomal dominant 9. Last evaluated: 2023-08-17. Review status: criteria provided, single submitter. Criteria: Invitae Variant Classification Sherloc (09022015). Collection method: clinical testing. Allele origin: germline.
Comment: This variant, c.278_307del, results in the deletion of 10 amino acid(s) of the KIF1A protein (p.Ile93_Gly102del), but otherwise preserves the integrity of the reading frame. In summary, the available evidence is currently insufficient to determine the role of this variant in disease. Therefore, it has been classified as a Variant of Uncertain Significance. Experimental studies and prediction algorithms are not available or were not evaluated, and the functional significance of this variant is currently unknown. This variant has not been reported in the literature in individuals affected with KIF1A-related conditions. This variant is not present in population databases (gnomAD no frequency).

NM_001244008.2(KIF1A):c.278_307del (p.Ile93_Gly102del)

Gene: KIF1A (kinesin family member 1A; minus strand). Cytogenetic location: 2q37.3.
Variant type: Deletion.
Coding change: c.278_307del on transcript NM_001244008.2 (MANE Select); coding-DNA positions 278 to 307, 30 bases deleted (TCTTCGCCTATGGGCAGACGGGTGCCGGCA).
Protein change: p.Ile93_Gly102del.
Molecular consequence: inframe deletion. On other transcripts: inframe indel (2).
Genome position (GRCh38, 1-based): chr2:240,788,107-240,788,136, TGCCGGCACCCGTCTGCCCATAGGCGAAGA deleted on the plus strand (TCTTCGCCTATGGGCAGACGGGTGCCGGCA on the coding strand, the reverse complement: KIF1A is on the minus strand); deleting any 30 consecutive bases within chr2:240,788,107-240,788,139 gives the same sequence; the c. name uses the placement nearest the transcript's 3' end. VCF-style (leftmost placement, unchanged base first): chr2-240788106-TTGCCGGCACCCGTCTGCCCATAGGCGAAGA-T. GRCh37 (hg19) VCF-style: chr2-241727523-TTGCCGGCACCCGTCTGCCCATAGGCGAAGA-T.
Other names: c.275_304del30, p.Ile93_Gly102del (NM_001244008.1, NM_001379654.1); c.278_307del, p.Ile93_Gly102del (NM_001320705.2, NM_001330289.2, NM_001330290.2 and 20 more transcripts).
Identifiers: ClinVar variation 2665058 (VCV002665058.4), dbSNP rs2538436610, ClinGen allele CA2695197706.